The following is an entry in ClinVar:

ClinVar aggregate classification (germline): Uncertain significance (1 of 4 stars; one submission).

Conditions:
TMC1-related disorder. Also called: TMC1-related condition; TMC1-related disorders.

gnomAD v4.1: 36 of 1,613,904 alleles (0.0022%); highest among the groups gnomAD compares: Non-Finnish European, 0.0028%; no homozygotes.

Submission:

PreventionGenetics, part of Exact Sciences
Classification: Uncertain significance for TMC1-related condition. Last evaluated: 2025-06-16. Review status: criteria provided, single submitter. Criteria: ACMG Guidelines, 2015. Collection method: clinical testing. Allele origin: germline.
Comment: The TMC1 c.898A>G variant is predicted to result in the amino acid substitution p.Ile300Val. To our knowledge, this variant has not been reported in the literature. This variant is reported in 0.0062% of alleles in individuals of African descent in gnomAD. At this time, the clinical significance of this variant is uncertain due to the absence of conclusive functional and genetic evidence.

NM_138691.3(TMC1):c.898A>G (p.Ile300Val)

Gene: TMC1 (transmembrane channel like 1; plus strand). Cytogenetic location: 9q21.13.
Variant type: single nucleotide variant.
Coding change: c.898A>G on transcript NM_138691.3 (MANE Select); coding-DNA position 898, A replaced by G.
Protein change: p.Ile300Val; replaces isoleucine 300 with valine.
Molecular consequence: missense variant.
Genome position (GRCh38, 1-based): chr9:72,788,352, A>G. VCF-style: chr9-72788352-A-G. GRCh37 (hg19) VCF-style: chr9-75403268-A-G.
Other names: short protein forms I300V.
Identifiers: ClinVar variation 4984202 (VCV004984202.1).